The following is an entry in ClinVar:

NM_017780.4(CHD7):c.6213C>A (p.His2071Gln)

Gene: CHD7 (chromodomain helicase DNA binding protein 7; plus strand). Cytogenetic location: 8q12.2.
Variant type: single nucleotide variant.
Coding change: c.6213C>A on transcript NM_017780.4 (MANE Select); coding-DNA position 6213, C replaced by A.
Protein change: p.His2071Gln; replaces histidine 2071 with glutamine.
Molecular consequence: missense variant. On other transcripts: intron variant (1).
Genome position (GRCh38, 1-based): chr8:60,852,938, C>A. VCF-style: chr8-60852938-C-A. GRCh37 (hg19) VCF-style: chr8-61765497-C-A.
Other names: c.1717-9291C>A (NM_001316690.1); short protein forms H2071Q.
Identifiers: ClinVar variation 4738722 (VCV004738722.1).

ClinVar aggregate classification (germline): Uncertain significance (1 of 4 stars; one submission).

Conditions:
CHARGE syndrome (CHARGE). Also called: Hittner Hirsch Kreh syndrome; CHARGE ASSOCIATION--COLOBOMA, HEART ANOMALY, CHOANAL ATRESIA, RETARDATION, GENITAL AND EAR ANOMALIES; Coloboma, heart anomaly, choanal atresia, retardation, genital and ear anomalies; CHARGE association; Hall-Hittner syndrome. Identifiers: Orphanet 138, MedGen C0265354, MONDO:0008965.

Submission:

Labcorp Genetics (formerly Invitae), Labcorp
Classification: Uncertain significance for CHARGE syndrome. Last evaluated: 2025-08-10. Review status: criteria provided, single submitter. Criteria: Invitae Variant Classification Sherloc (09022015). Collection method: clinical testing. Allele origin: germline.
Comment: This sequence change replaces histidine, which is basic and polar, with glutamine, which is neutral and polar, at codon 2071 of the CHD7 protein (p.His2071Gln). This variant is not present in population databases (gnomAD no frequency). This variant has not been reported in the literature in individuals affected with CHD7-related conditions. Invitae Evidence Modeling of protein sequence and biophysical properties (such as structural, functional, and spatial information, amino acid conservation, physicochemical variation, residue mobility, and thermodynamic stability) indicates that this missense variant is expected to disrupt CHD7 protein function with a positive predictive value of 95%. In summary, the available evidence is currently insufficient to determine the role of this variant in disease. Therefore, it has been classified as a Variant of Uncertain Significance.